The following is an entry in ClinVar:

ClinVar aggregate classification (germline): Uncertain significance. Review status: criteria provided, multiple submitters, no conflicts (2 of 4 stars). 2 submissions from 2 submitters: Uncertain significance (2). Last evaluated 2025-01-23.

Conditions:
Inborn genetic diseases. Identifiers: MedGen C0950123, MeSH D030342.

Submissions (2):

Ambry Genetics
Classification: Uncertain significance for Inborn genetic diseases. Last evaluated: 2025-01-23. Review status: criteria provided, single submitter. Criteria: Ambry Variant Classification Scheme 2023. Collection method: clinical testing. Allele origin: germline.

GeneDx
Classification: Uncertain significance. Last evaluated: 2024-12-13. Review status: criteria provided, single submitter. Criteria: GeneDx Variant Classification Process June 2021. Collection method: clinical testing. Allele origin: germline. Affected: yes.
Comment: Not observed at significant frequency in large population cohorts (gnomAD); In silico analysis supports that this missense variant has a deleterious effect on protein structure/function; Has not been previously published as pathogenic or benign to our knowledge

NM_015937.6(PIGT):c.155C>T (p.Thr52Met)

Gene: PIGT (phosphatidylinositol glycan anchor biosynthesis class T; plus strand). Cytogenetic location: 20q13.12.
Variant type: single nucleotide variant.
Coding change: c.155C>T on transcript NM_015937.6 (MANE Select); coding-DNA position 155, C replaced by T.
Protein change: p.Thr52Met; replaces threonine 52 with methionine.
Molecular consequence: missense variant. On other transcripts: non-coding transcript variant (5).
Genome position (GRCh38, 1-based): chr20:45,416,311, C>T. VCF-style: chr20-45416311-C-T. GRCh37 (hg19) VCF-style: chr20-44044951-C-T.
Other names: c.155C>T, p.Thr52Met (NM_001184728.3, NM_001184729.3, NM_001184730.3); c.155C>T (NM_015937.5); short protein forms T52M.
Identifiers: ClinVar variation 3888840 (VCV003888840.2).
Genomic context (GRCh38, chr20:45,416,311, plus strand): 5'-AGGAACTTGTCATCACCCCGCTGCCTTCCGGGGACGTAGCCGCCACATTCCAGTTCCGCA[C>T]GCGCTGGGATTCGGAGCTTCAGCGGGAAGGAGGTGAGGGCGCGAGATCTGACCAGGGAAA-3'
Protein context (NP_057021.2, residues 42-62): GDVAATFQFR[Thr52Met]RWDSELQREG